The following is an entry in ClinVar:

NM_177550.5(SLC13A5):c.1438-56G>A

Gene: SLC13A5 (solute carrier family 13 member 5; minus strand). Cytogenetic location: 17p13.1.
Variant type: single nucleotide variant.
Coding change: c.1438-56G>A on transcript NM_177550.5 (MANE Select); 56 bases into the intron before coding-DNA position 1438, G replaced by A.
Molecular consequence: intron variant.
Genome position (GRCh38, 1-based): chr17:6,687,722, C>T on the plus strand (G>A on the coding strand, the complement: SLC13A5 is on the minus strand). VCF-style: chr17-6687722-C-T. GRCh37 (hg19) VCF-style: chr17-6591041-C-T.
Other names: c.1309-56G>A (NM_001284510.2); c.1387-56G>A (NM_001284509.2); c.1438-1384G>A (NM_001143838.3).
Identifiers: ClinVar variation 677509 (VCV000677509.2), dbSNP rs78203589, ClinGen allele CA287381694.

ClinVar aggregate classification (germline): Likely benign. Review status: criteria provided, multiple submitters, no conflicts (2 of 4 stars). 2 submissions from 2 submitters: Likely benign (2). Last evaluated 2018-06-16.

Allele frequency attached by ClinVar (database versions not stated): gnomAD exomes 0.00112; gnomAD 0.01275 and 0.01352; TOPMed 0.01387; 1000 Genomes Project 0.01577; 1000 Genomes Project 30x 0.01765.
gnomAD v4.1: 3,533 of 1,496,100 alleles (0.24%); highest among the groups gnomAD compares: African/African-American, 4.4%; 85 homozygotes.

Submissions (2):

GeneDx
Classification: Likely benign. Last evaluated: 2018-06-16. Review status: criteria provided, single submitter. Criteria: GeneDx Variant Classification (06012015). Collection method: clinical testing. Allele origin: germline. Affected: yes.
Comment: This variant is considered likely benign or benign based on one or more of the following criteria: it is a conservative change, it occurs at a poorly conserved position in the protein, it is predicted to be benign by multiple in silico algorithms, and/or has population frequency not consistent with disease.

Breakthrough Genomics
Classification: Likely benign. Review status: criteria provided, single submitter. Criteria: ACMG Guidelines, 2015. Collection method: not provided. Allele origin: germline. Inheritance: Autosomal recessive inheritance. Affected: yes.